The following is an entry in ClinVar:

NM_001082538.3(TCTN1):c.3G>C (p.Met1Ile)

Gene: TCTN1 (tectonic family member 1; plus strand). Cytogenetic location: 12q24.11.
Variant type: single nucleotide variant.
Coding change: c.3G>C on transcript NM_001082538.3 (MANE Select); coding-DNA position 3, G replaced by C.
Protein change: p.Met1Ile; changes the start codon (methionine 1).
Molecular consequence: missense variant, initiator codon variant. On other transcripts: 5 prime UTR variant (4), non-coding transcript variant (1).
Genome position (GRCh38, 1-based): chr12:110,614,185, G>C. VCF-style: chr12-110614185-G-C. GRCh37 (hg19) VCF-style: chr12-111051990-G-C.
Other names: c.-254G>C (NM_001173976.2); c.3G>C, p.Met1Ile (NM_001319680.2, NM_024549.6, NM_001082537.3); c.-705G>C (NM_001319681.2); c.-227G>C (NM_001319682.3, NM_001173975.3); short protein forms M1I.
Identifiers: ClinVar variation 3764639 (VCV003764639.1).

ClinVar aggregate classification (germline): Likely pathogenic (1 of 4 stars; one submission).

Conditions:
Joubert syndrome 13 (JBTS13). Identifiers: Orphanet 475, MedGen C3280031, MONDO:0013608, OMIM 614173.

Submission:

Daryl Scott Lab, Baylor College of Medicine
Classification: Likely pathogenic for Joubert syndrome 13. Last evaluated: 2024-01-01. Review status: criteria provided, single submitter. Criteria: ACMG Guidelines, 2015. Collection method: clinical testing. Allele origin: maternal. Observed: 1 heterozygote.
Comment: PVS1, PM2